The following is an entry in ClinVar:

ClinVar aggregate classification (germline): Pathogenic (1 of 4 stars; one submission).

Conditions:
Cerebellar atrophy with seizures and variable developmental delay. Identifiers: MedGen C5193132, MONDO:0032788, OMIM 618501.

Submission:

3billion
Classification: Pathogenic for Cerebellar atrophy with seizures and variable developmental delay. Last evaluated: 2024-12-12. Review status: criteria provided, single submitter. Criteria: ACMG Guidelines, 2015. Collection method: clinical testing. Allele origin: germline. Affected: yes.
Comment: The variant is not observed in the gnomAD v4.1.0 dataset. Predicted Consequence/Location: Stop-gained (nonsense): predicted to result in a loss or disruption of normal protein function through nonsense-mediated decay (NMD) or protein truncation. Multiple pathogenic variants are reported downstream of the variant. Therefore, this variant is classified as Pathogenic according to the recommendation of ACMG/AMP guideline.

NM_006030.4(CACNA2D2):c.1966C>T (p.Gln656Ter)

Gene: CACNA2D2 (calcium voltage-gated channel auxiliary subunit alpha2delta 2; minus strand). Cytogenetic location: 3p21.31.
Variant type: single nucleotide variant.
Coding change: c.1966C>T on transcript NM_006030.4 (MANE Select); coding-DNA position 1966, C replaced by T.
Protein change: p.Gln656Ter; replaces glutamine 656 with a stop codon.
Molecular consequence: nonsense.
Genome position (GRCh38, 1-based): chr3:50,374,755, G>A on the plus strand (C>T on the coding strand, the complement: CACNA2D2 is on the minus strand). VCF-style: chr3-50374755-G-A. GRCh37 (hg19) VCF-style: chr3-50412186-G-A.
Other names: c.1966C>T, p.Gln656Ter (NM_001005505.3, NM_001174051.3, NM_001410768.1); c.1759C>T, p.Gln587Ter (NM_001291101.1); short protein forms Q587*, Q656*.
Identifiers: ClinVar variation 4293141 (VCV004293141.1).